The following is an entry in ClinVar:

NM_005050.4(ABCD4):c.1190C>G (p.Pro397Arg)

Gene: ABCD4 (ATP binding cassette subfamily D member 4; minus strand). Cytogenetic location: 14q24.3.
Variant type: single nucleotide variant.
Coding change: c.1190C>G on transcript NM_005050.4 (MANE Select); coding-DNA position 1190, C replaced by G.
Protein change: p.Pro397Arg; replaces proline 397 with arginine.
Molecular consequence: missense variant. On other transcripts: non-coding transcript variant (10).
Genome position (GRCh38, 1-based): chr14:74,290,428, G>C on the plus strand (C>G on the coding strand, the complement: ABCD4 is on the minus strand). VCF-style: chr14-74290428-G-C. GRCh37 (hg19) VCF-style: chr14-74757131-G-C.
Other names: c.1064C>G, p.Pro355Arg (NM_001353591.2, NM_001353592.2); c.929C>G, p.Pro310Arg (NM_001353593.2); c.878C>G, p.Pro293Arg (NM_001353594.2); c.776C>G, p.Pro259Arg (NM_001353595.2, NM_001353596.2); c.725C>G, p.Pro242Arg (NM_001353597.2); c.713C>G, p.Pro238Arg (NM_001353598.2, NM_001353599.2, NM_001353600.2 and 2 more transcripts); c.401C>G, p.Pro134Arg (NM_001353602.2, NM_001353603.2, NM_001353604.2 and 6 more transcripts); c.1061C>G, p.Pro354Arg (NM_020323.1); and 2 more; short protein forms P238R, P242R, P354R, P355R, P259R, P293R, P397R, P134R.
Identifiers: ClinVar variation 1997709 (VCV001997709.5), dbSNP rs749168282, ClinGen allele CA7266892.

ClinVar aggregate classification (germline): Uncertain significance. Review status: criteria provided, multiple submitters, no conflicts (2 of 4 stars). 2 submissions from 2 submitters: Uncertain significance (2). Last evaluated 2025-10-02.

Conditions:
Inborn genetic diseases. Identifiers: MedGen C0950123, MeSH D030342.
Methylmalonic acidemia with homocystinuria, type cblJ (MAHCJ). Also called: METHYLMALONIC ACIDURIA AND HOMOCYSTINURIA, cblJ TYPE. Identifiers: Orphanet 369955, MedGen C3553915, MONDO:0013925, OMIM 614857.

Allele frequency attached by ClinVar (database versions not stated): TOPMed below 0.00001; ExAC 0.00001; gnomAD 0.00001.
gnomAD v4.1: 6 of 1,613,972 alleles (0.00037%); highest among the groups gnomAD compares: Admixed American, 0.0033%; no homozygotes.

Submissions (2):

Ambry Genetics
Classification: Uncertain significance for Inborn genetic diseases. Last evaluated: 2025-10-02. Review status: criteria provided, single submitter. Criteria: Ambry Variant Classification Scheme 2023. Collection method: clinical testing. Allele origin: germline.

Labcorp Genetics (formerly Invitae), Labcorp
Classification: Uncertain significance for Methylmalonic acidemia with homocystinuria, type cblJ. Last evaluated: 2022-07-14. Review status: criteria provided, single submitter. Criteria: Invitae Variant Classification Sherloc (09022015). Collection method: clinical testing. Allele origin: germline.
Comment: In summary, the available evidence is currently insufficient to determine the role of this variant in disease. Therefore, it has been classified as a Variant of Uncertain Significance. Advanced modeling of protein sequence and biophysical properties (such as structural, functional, and spatial information, amino acid conservation, physicochemical variation, residue mobility, and thermodynamic stability) performed at Invitae indicates that this missense variant is expected to disrupt ABCD4 protein function. This variant has not been reported in the literature in individuals affected with ABCD4-related conditions. This variant is present in population databases (rs749168282, gnomAD 0.003%). This sequence change replaces proline, which is neutral and non-polar, with arginine, which is basic and polar, at codon 397 of the ABCD4 protein (p.Pro397Arg).